The following is an entry in ClinVar:

NM_006060.6(IKZF1):c.1017G>A (p.Glu339=)

Gene: IKZF1 (IKAROS family zinc finger 1; plus strand). Cytogenetic location: 7p12.2.
Variant type: single nucleotide variant.
Coding change: c.1017G>A on transcript NM_006060.6 (MANE Select); coding-DNA position 1017, G replaced by A.
Protein change: p.Glu339=; no amino-acid change (glutamic acid 339 retained).
Molecular consequence: synonymous variant.
Genome position (GRCh38, 1-based): chr7:50,400,084, G>A. VCF-style: chr7-50400084-G-A. GRCh37 (hg19) VCF-style: chr7-50467782-G-A.
Other names: c.891G>A, p.Glu297= (NM_001220765.3, NM_001291837.2); c.726G>A, p.Glu242= (NM_001220767.2); c.756G>A, p.Glu252= (NM_001220768.2, NM_001291838.2); c.600G>A, p.Glu200= (NM_001220770.2); c.588G>A, p.Glu196= (NM_001220771.2, NM_001291841.1); c.630G>A, p.Glu210= (NM_001291839.2); c.327G>A, p.Glu109= (NM_001291840.1); c.558G>A, p.Glu186= (NM_001291842.1); and 3 more.
Identifiers: ClinVar variation 2781549 (VCV002781549.3), dbSNP rs1382690023, ClinGen allele CA455161080.
Genomic context (GRCh38, chr7:50,400,084, plus strand): 5'-CAACTACCTGGGGGCCGAGTCCCTGCGCCCGCTGGTGCAGACGCCCCCGGGCGGTTCCGA[G>A]GTGGTCCCGGTCATCAGCCCGATGTACCAGCTGCACAAGCCGCTCGCGGAGGGCACCCCG-3'
Protein context (NP_006051.1, residues 329-349): PLVQTPPGGS[Glu339=]VVPVISPMYQ

ClinVar aggregate classification (germline): Uncertain significance (1 of 4 stars; one submission).

Allele frequency attached by ClinVar (database versions not stated): gnomAD 0.00001; gnomAD exomes 0.00001.
gnomAD v4.1: 4 of 1,576,634 alleles (0.00025%); highest among the groups gnomAD compares: East Asian, 0.0024%; no homozygotes.

Submission:

Labcorp Genetics (formerly Invitae), Labcorp
Classification: Uncertain significance. Last evaluated: 2023-02-24. Review status: criteria provided, single submitter. Criteria: Invitae Variant Classification Sherloc (09022015). Collection method: clinical testing. Allele origin: germline.
Comment: In summary, the available evidence is currently insufficient to determine the role of this variant in disease. Therefore, it has been classified as a Variant of Uncertain Significance. Experimental studies and prediction algorithms are not available or were not evaluated, and the effect of this variant on mRNA splicing is currently unknown. This variant has not been reported in the literature in individuals affected with IKZF1-related conditions. This variant is present in population databases (no rsID available, gnomAD 0.06%). This sequence change affects codon 339 of the IKZF1 mRNA. It is a 'silent' change, meaning that it does not change the encoded amino acid sequence of the IKZF1 protein.